The following is an entry in ClinVar:

NM_001329943.3(KIAA0586):c.4495+4A>G

Gene: KIAA0586 (KIAA0586; plus strand). Cytogenetic location: 14q23.1.
Variant type: single nucleotide variant.
Coding change: c.4495+4A>G on transcript NM_001329943.3 (MANE Select); 4 bases into the intron after coding-DNA position 4495, A replaced by G.
Molecular consequence: intron variant.
Genome position (GRCh38, 1-based): chr14:58,540,140, A>G. VCF-style: chr14-58540140-A-G. GRCh37 (hg19) VCF-style: chr14-59006858-A-G.
Other names: c.4654+4A>G (NM_001244189.2); c.4450+4A>G (NM_001244190.2); c.4363+4A>G (NM_001244192.2, NM_001329947.2); c.4240+4A>G (NM_001244191.2, NM_001364701.2); c.4495+4A>G (NM_001329944.2); c.4430-7641A>G (NM_001329946.2); c.4267+4A>G (NM_014749.5); c.4175-7641A>G (NM_001329945.2).
Identifiers: ClinVar variation 2165177 (VCV002165177.4), dbSNP rs761543674, ClinGen allele CA7206413.

ClinVar aggregate classification (germline): Uncertain significance (1 of 4 stars; one submission).

Conditions:
Short-rib thoracic dysplasia 14 with polydactyly (SRTD14). Identifiers: Orphanet 397715, MedGen C4225286, MONDO:0014688, OMIM 616546.
Joubert syndrome 23 (JBTS23). Identifiers: Orphanet 475, MedGen C4084822, MONDO:0014664, OMIM 616490.

Allele frequency attached by ClinVar (database versions not stated): gnomAD exomes below 0.00001; gnomAD 0.00002; TOPMed 0.00002; ExAC 0.00004.
gnomAD v4.1: 6 of 1,520,174 alleles (0.00039%); highest among the groups gnomAD compares: African/African-American, 0.0083%; no homozygotes.

Submission:

Labcorp Genetics (formerly Invitae), Labcorp
Classification: Uncertain significance for Joubert syndrome 23; Short-rib thoracic dysplasia 14 with polydactyly. Last evaluated: 2022-07-14. Review status: criteria provided, single submitter. Criteria: Invitae Variant Classification Sherloc (09022015). Collection method: clinical testing. Allele origin: germline.
Comment: This sequence change falls in intron 32 of the KIAA0586 gene. It does not directly change the encoded amino acid sequence of the KIAA0586 protein. It affects a nucleotide within the consensus splice site. This variant is not present in population databases (gnomAD no frequency). This variant has not been reported in the literature in individuals affected with KIAA0586-related conditions. Variants that disrupt the consensus splice site are a relatively common cause of aberrant splicing (PMID: 17576681, 9536098). Algorithms developed to predict the effect of sequence changes on RNA splicing suggest that this variant may disrupt the consensus splice site. In summary, the available evidence is currently insufficient to determine the role of this variant in disease. Therefore, it has been classified as a Variant of Uncertain Significance.

Literature cited by the submitters: PubMed 17576681; PubMed 9536098.